The following is an entry in ClinVar:

ClinVar aggregate classification (germline): Uncertain significance (1 of 4 stars; one submission).

gnomAD v4.1: 7 of 1,613,972 alleles (0.00043%); highest among the groups gnomAD compares: Admixed American, 0.0033%; no homozygotes.

Submission:

Labcorp Genetics (formerly Invitae), Labcorp
Classification: Uncertain significance. Last evaluated: 2024-07-15. Review status: criteria provided, single submitter. Criteria: Invitae Variant Classification Sherloc (09022015). Collection method: clinical testing. Allele origin: germline.
Comment: This sequence change replaces alanine, which is neutral and non-polar, with valine, which is neutral and non-polar, at codon 522 of the SIRT1 protein (p.Ala522Val). This variant is present in population databases (rs61754500, gnomAD 0.003%). This variant has not been reported in the literature in individuals affected with SIRT1-related conditions. An algorithm developed to predict the effect of missense changes on protein structure and function outputs the following: PolyPhen-2: "Benign". The valine amino acid residue is found in multiple mammalian species, which suggests that this missense change does not adversely affect protein function. In summary, the available evidence is currently insufficient to determine the role of this variant in disease. Therefore, it has been classified as a Variant of Uncertain Significance.

NM_012238.5(SIRT1):c.1565C>T (p.Ala522Val)

Gene: SIRT1 (sirtuin 1; plus strand). Cytogenetic location: 10q21.3.
Variant type: single nucleotide variant.
Coding change: c.1565C>T on transcript NM_012238.5 (MANE Select); coding-DNA position 1565, C replaced by T.
Protein change: p.Ala522Val; replaces alanine 522 with valine.
Molecular consequence: missense variant.
Genome position (GRCh38, 1-based): chr10:67,912,681, C>T. VCF-style: chr10-67912681-C-T. GRCh37 (hg19) VCF-style: chr10-69672438-C-T.
Other names: c.680C>T, p.Ala227Val (NM_001142498.2); c.656C>T, p.Ala219Val (NM_001314049.2); short protein forms A219V, A227V, A522V.
Identifiers: ClinVar variation 3629244 (VCV003629244.2).